The following is an entry in ClinVar:

NM_020937.4(FANCM):c.4009A>G (p.Met1337Val)

Gene: FANCM (FA complementation group M; plus strand). Cytogenetic location: 14q21.2.
Variant type: single nucleotide variant.
Coding change: c.4009A>G on transcript NM_020937.4 (MANE Select); coding-DNA position 4009, A replaced by G.
Protein change: p.Met1337Val; replaces methionine 1337 with valine.
Molecular consequence: missense variant.
Genome position (GRCh38, 1-based): chr14:45,176,763, A>G. VCF-style: chr14-45176763-A-G. GRCh37 (hg19) VCF-style: chr14-45645966-A-G.
Other names: c.3931A>G, p.Met1311Val (NM_001308133.2); short protein forms M1337V, M1311V.
Identifiers: ClinVar variation 4022813 (VCV004022813.1).

ClinVar aggregate classification (germline): Uncertain significance (1 of 4 stars; one submission).

Conditions:
Inborn genetic diseases. Identifiers: MedGen C0950123, MeSH D030342.

Submission:

Ambry Genetics
Classification: Uncertain significance for Inborn genetic diseases. Last evaluated: 2025-05-25. Review status: criteria provided, single submitter. Criteria: Ambry Variant Classification Scheme 2023. Collection method: clinical testing. Allele origin: germline.
Comment: The p.M1337V variant (also known as c.4009A>G), located in coding exon 14 of the FANCM gene, results from an A to G substitution at nucleotide position 4009. The methionine at codon 1337 is replaced by valine, an amino acid with highly similar properties. This amino acid position is conserved. In addition, this alteration is predicted to be tolerated by in silico analysis. Based on the available evidence, the clinical significance of this variant remains unclear.